The following is an entry in ClinVar:

NM_001033855.3(DCLRE1C):c.564G>T (p.Glu188Asp)

Gene: DCLRE1C (DNA cross-link repair 1C; minus strand). Cytogenetic location: 10p13.
Variant type: single nucleotide variant.
Coding change: c.564G>T on transcript NM_001033855.3 (MANE Select); coding-DNA position 564, G replaced by T.
Protein change: p.Glu188Asp; replaces glutamic acid 188 with aspartic acid.
Molecular consequence: missense variant. On other transcripts: non-coding transcript variant (4).
Genome position (GRCh38, 1-based): chr10:14,934,494, C>A on the plus strand (G>T on the coding strand, the complement: DCLRE1C is on the minus strand). VCF-style: chr10-14934494-C-A. GRCh37 (hg19) VCF-style: chr10-14976493-C-A.
Other names: NM_001033855.3(DCLRE1C):c.564G>T; p.Glu188Asp; c.204G>T, p.Glu68Asp (NM_001033857.3, NM_001033858.3, NM_001289077.2 and 2 more transcripts); c.219G>T, p.Glu73Asp (NM_001289076.2, NM_001289078.2, NM_001350966.2 and 1 more transcripts); c.564G>T, p.Glu188Asp (NM_001350965.2); short protein forms E68D, E73D, E188D.
Identifiers: ClinVar variation 647111 (VCV000647111.3), dbSNP rs1468919857, ClinGen allele CA376059596.

ClinVar aggregate classification (germline): Uncertain significance. Review status: reviewed by expert panel (3 of 4 stars). 2 submissions from 2 submitters: Uncertain significance (1). 1 of the submissions does not count toward it. Last evaluated 2024-06-13.

Conditions:
Severe combined immunodeficiency due to DCLRE1C deficiency (RS-SCID). Also called: SCID, AUTOSOMAL RECESSIVE, T CELL-NEGATIVE, B CELL-NEGATIVE, NK CELL-POSITIVE, WITH SENSITIVITY TO IONIZING RADIATION. Identifiers: Orphanet 275, MedGen C1865371, MONDO:0011225, OMIM 602450.

Submissions (2):

ClinGen Severe Combined Immunodeficiency Variant Curation Expert Panel, ClinGen
Classification: Uncertain significance for Severe combined immunodeficiency due to DCLRE1C deficiency. Last evaluated: 2024-06-13. Review status: reviewed by expert panel. Criteria: ClinGen SCID ACMG Specifications DCLRE1C V1.0.0. Collection method: curation. Allele origin: germline. Inheritance: Autosomal recessive inheritance.
Comment: The c.564G>T (NM_001033855.3) variant in DCLRE1C is a missense variant predicted to cause the substitution of Glutamic Acid by Aspartic Acid at amino acid 188 (p.Glu188Asp). This variant is absent from gnomAD v4 (PM2_Supporting). To our knowledge, this variant has not been reported in the literature in individuals affected with SCID/DCLRE1C-related conditions or in functional studies. In summary, this variant meets the criteria to be classified as a variant of uncertain significance for autosomal recessive severe combined immunodeficiency due to DCLRE1C deficiency based on the ACMG/AMP criteria applied, as specified by the ClinGen SCID VCEP: PM2_Supporting (VCEP specifications version 1).

Labcorp Genetics (formerly Invitae), Labcorp
Classification: Uncertain significance for Athabaskan severe combined immunodeficiency. Last evaluated: 2021-08-13. Review status: criteria provided, single submitter. Criteria: Invitae Variant Classification Sherloc (09022015). Collection method: clinical testing. Allele origin: germline. Not counted in ClinVar's aggregate classification.
Comment: This sequence change replaces glutamic acid with aspartic acid at codon 188 of the DCLRE1C protein (p.Glu188Asp). The glutamic acid residue is moderately conserved and there is a small physicochemical difference between glutamic acid and aspartic acid. This variant is not present in population databases (ExAC no frequency). This variant has not been reported in the literature in individuals affected with DCLRE1C-related conditions. Algorithms developed to predict the effect of missense changes on protein structure and function (SIFT, PolyPhen-2, Align-GVGD) all suggest that this variant is likely to be tolerated. In summary, the available evidence is currently insufficient to determine the role of this variant in disease. Therefore, it has been classified as a Variant of Uncertain Significance.